The following is an entry in ClinVar:

ClinVar aggregate classification (germline): Pathogenic (1 of 4 stars; one submission).

Allele frequency attached by ClinVar (database versions not stated): gnomAD exomes below 0.00001; TOPMed below 0.00001; gnomAD 0.00001.

Submission:

Labcorp Genetics (formerly Invitae), Labcorp
Classification: Pathogenic. Last evaluated: 2023-07-06. Review status: criteria provided, single submitter. Criteria: Invitae Variant Classification Sherloc (09022015). Collection method: clinical testing. Allele origin: germline.
Comment: For these reasons, this variant has been classified as Pathogenic. This variant disrupts a region of the KISS1R protein in which other variant(s) (p.Tyr323*) have been determined to be pathogenic (PMID: 25262569). This suggests that this is a clinically significant region of the protein, and that variants that disrupt it are likely to be disease-causing. This variant has not been reported in the literature in individuals affected with KISS1R-related conditions. This variant is present in population databases (no rsID available, gnomAD 0.005%). This sequence change creates a premature translational stop signal (p.Asp242Valfs*77) in the KISS1R gene. While this is not anticipated to result in nonsense mediated decay, it is expected to disrupt the last 157 amino acid(s) of the KISS1R protein.

Literature cited by the submitters: PubMed 25262569.

NM_032551.5(KISS1R):c.725del (p.Asp242fs)

Gene: KISS1R (KISS1 receptor; plus strand). Cytogenetic location: 19p13.3.
Variant type: Deletion.
Coding change: c.725del on transcript NM_032551.5 (MANE Select); coding-DNA position 725, one base deleted (A; older notation c.725delA).
Protein change: p.Asp242fs; shifts the reading frame from aspartic acid 242.
Molecular consequence: frameshift variant.
Genome position (GRCh38, 1-based): chr19:920,093, A deleted. VCF-style (leftmost placement, unchanged base first): chr19-920092-GA-G. GRCh37 (hg19) VCF-style: chr19-920092-GA-G.
Other names: short protein forms D242fs.
Identifiers: ClinVar variation 2875533 (VCV002875533.3), dbSNP rs1568348369, ClinGen allele CA631296284.